The following is an entry in ClinVar:

NM_058216.3(RAD51C):c.718A>T (p.Ile240Leu)

Gene: RAD51C (RAD51 paralog C; plus strand). Cytogenetic location: 17q22.
Variant type: single nucleotide variant.
Coding change: c.718A>T on transcript NM_058216.3 (MANE Select); coding-DNA position 718, A replaced by T.
Protein change: p.Ile240Leu; replaces isoleucine 240 with leucine.
Molecular consequence: missense variant. On other transcripts: non-coding transcript variant (1).
Genome position (GRCh38, 1-based): chr17:58,709,871, A>T. VCF-style: chr17-58709871-A-T. GRCh37 (hg19) VCF-style: chr17-56787232-A-T.
Other names: short protein forms I240L.
Identifiers: ClinVar variation 216808 (VCV000216808.34), dbSNP rs863224806, ClinGen allele CA336352.

ClinVar aggregate classification (germline): Conflicting classifications of pathogenicity. Review status: criteria provided, conflicting classifications (1 of 4 stars). 10 submissions from 10 submitters: Uncertain significance (8); Likely benign (1). 1 of the submissions does not count toward it. Last evaluated 2025-12-15.

Conditions:
RAD51C-related disorder. Also called: RAD51C-related disorders; RAD51C-related condition.
Hereditary cancer-predisposing syndrome. Also called: Tumor predisposition; Hereditary Cancer Syndrome; Neoplastic Syndromes, Hereditary; Hereditary neoplastic syndrome. Identifiers: Orphanet 140162, MedGen C0027672, MeSH D009386, MONDO:0015356.
Breast-ovarian cancer, familial, susceptibility to, 3. Also called: RAD51C-Related Breast/Ovarian Cancer. Identifiers: Orphanet 145, MedGen C3150659, MONDO:0013253, OMIM 613399.
Fanconi anemia complementation group O. Also called: RAD51C-Related Fanconi Anemia. Identifiers: Orphanet 84, MedGen C3150653, MONDO:0013248, OMIM 613390.
Breast and/or ovarian cancer. Identifiers: MedGen CN221562.

Allele frequency attached by ClinVar (database versions not stated): gnomAD exomes below 0.00001 and 0.00001; TOPMed below 0.00001; gnomAD 0.00001.
gnomAD v4.1: 16 of 1,607,524 alleles (0.001%); highest among the groups gnomAD compares: Non-Finnish European, 0.0013%; no homozygotes.

Submissions (10):

Labcorp Genetics (formerly Invitae), Labcorp
Classification: Uncertain significance for Fanconi anemia complementation group O. Last evaluated: 2025-12-15. Review status: criteria provided, single submitter. Criteria: Invitae Variant Classification Sherloc (09022015). Collection method: clinical testing. Allele origin: germline.
Comment: This sequence change replaces isoleucine, which is neutral and non-polar, with leucine, which is neutral and non-polar, at codon 240 of the RAD51C protein (p.Ile240Leu). This variant is present in population databases (no rsID available, gnomAD 0.0009%). This missense change has been observed in individual(s) with colorectal cancer (PMID: 28135145). ClinVar contains an entry for this variant (Variation ID: 216808). Invitae Evidence Modeling of protein sequence and biophysical properties (such as structural, functional, and spatial information, amino acid conservation, physicochemical variation, residue mobility, and thermodynamic stability) indicates that this missense variant is not expected to disrupt RAD51C protein function with a negative predictive value of 80%. Experimental studies have shown that this missense change does not substantially affect RAD51C function (PMID: 37253112). In summary, the available evidence is currently insufficient to determine the role of this variant in disease. Therefore, it has been classified as a Variant of Uncertain Significance.

Ambry Genetics
Classification: Likely benign for Hereditary cancer-predisposing syndrome. Last evaluated: 2025-05-01. Review status: criteria provided, single submitter. Criteria: Ambry Variant Classification Scheme 2023. Collection method: clinical testing. Allele origin: germline.

Women's Health and Genetics/Laboratory Corporation of America, LabCorp
Classification: Uncertain significance. Last evaluated: 2024-12-16. Review status: criteria provided, single submitter. Criteria: LabCorp Variant Classification Summary - May 2015. Collection method: clinical testing. Allele origin: germline.
Comment: Variant summary: RAD51C c.718A>T (p.Ile240Leu) results in a conservative amino acid change in the encoded protein sequence. Three of five in-silico tools predict a benign effect of the variant on protein function. The variant allele was found at a frequency of 4e-06 in 251402 control chromosomes (gnomAD). The available data on variant occurrences in the general population are insufficient to allow any conclusion about variant significance. c.718A>T has been reported in the literature as a VUS in an individual affected with colorectal cancer (Yurgelun_2017). This report does not provide unequivocal conclusions about association of the variant with Fanconi Anemia Complementation Group O. At least one publication reports experimental evidence evaluating an impact on protein function (Hu_2023). These results showed no damaging effect of this variant in an HDR experiment. The following publications has been ascertained in the context of this evaluation (PMID: 28135145, 37253112). ClinVar contains an entry for this variant (Variation ID: 216808). Based on the evidence outlined above, the variant was classified as uncertain significance.

GeneDx
Classification: Uncertain significance. Last evaluated: 2024-03-14. Review status: criteria provided, single submitter. Criteria: GeneDx Variant Classification Process June 2021. Collection method: clinical testing. Allele origin: germline. Affected: yes.
Comment: Published functional studies demonstrate homology-directed repair activity similar to wildtype (PMID: 37253112); In silico analysis supports that this missense variant does not alter protein structure/function; Not observed at significant frequency in large population cohorts (gnomAD); Observed in individual(s) with colorectal cancer (PMID: 28135145); This variant is associated with the following publications: (PMID: 14704354, 33471991, 37253112, 28135145)

Baylor Genetics
Classification: Uncertain significance for Breast-ovarian cancer, familial, susceptibility to, 3. Last evaluated: 2024-03-05. Review status: criteria provided, single submitter. Criteria: ACMG Guidelines, 2015. Collection method: clinical testing. Allele origin: unknown.

CHEO Genetics Diagnostic Laboratory, Children's Hospital of Eastern Ontario
Classification: Uncertain significance for Breast and/or ovarian cancer. Last evaluated: 2023-06-05. Review status: criteria provided, single submitter. Criteria: ACMG Guidelines, 2015. Collection method: clinical testing. Allele origin: germline.

Fulgent Genetics
Classification: Uncertain significance for Fanconi anemia complementation group O; Breast-ovarian cancer, familial, susceptibility to, 3. Last evaluated: 2022-02-12. Review status: criteria provided, single submitter. Criteria: ACMG Guidelines, 2015. Collection method: clinical testing. Allele origin: unknown.

Color Diagnostics, LLC DBA Color Health
Classification: Uncertain significance for Hereditary cancer-predisposing syndrome. Last evaluated: 2021-12-17. Review status: criteria provided, single submitter. Criteria: ACMG Guidelines, 2015. Collection method: clinical testing. Allele origin: germline.
Comment: This missense variant replaces isoleucine with leucine at codon 240 of the RAD51C protein. Computational prediction suggests that this variant may not impact protein structure and function (internally defined REVEL score threshold <= 0.5, PMID: 27666373). To our knowledge, functional studies have not been reported for this variant. This variant has been reported in an individual affected with colorectal cancer (PMID: 28135145). In a large breast cancer case-control study, this variant was identified in 1/60465 cases and was absent in any controls (PMID: 33471991 - Leiden Open Variation Database DB-ID RAD51C_000178). This variant has been identified in 1/251402 chromosomes in the general population by the Genome Aggregation Database (gnomAD). The available evidence is insufficient to determine the role of this variant in disease conclusively. Therefore, this variant is classified as a Variant of Uncertain Significance.

Genetic Services Laboratory, University of Chicago
Classification: Uncertain significance. Last evaluated: 2017-07-19. Review status: criteria provided, single submitter. Criteria: ACMG Guidelines, 2015. Collection method: clinical testing. Allele origin: germline. Affected: no.

PreventionGenetics, part of Exact Sciences
Classification: Uncertain significance for RAD51C-related condition. Last evaluated: 2023-10-25. Review status: no assertion criteria provided. Collection method: clinical testing. Allele origin: germline. Not counted in ClinVar's aggregate classification.
Comment: The RAD51C c.718A>T variant is predicted to result in the amino acid substitution p.Ile240Leu. This variant was reported as uncertain significance in an individual with colorectal cancer (Table A4, Yurgelun et al. 2017. PubMed ID: 28135145). This variant is reported in 0.00088% of alleles in individuals of European (Non-Finnish) descent in gnomAD and is interpreted as uncertain significance in the ClinVar database. At this time, the clinical significance of this variant is uncertain due to the absence of conclusive functional and genetic evidence.

Literature cited by the submitters: PubMed 28135145 (cited by 4 submitters); PubMed 37253112 (cited by 3 submitters); PubMed 33471991 (cited by Color Diagnostics, LLC DBA Color Health).